The following is an entry in ClinVar:

ClinVar aggregate classification (germline): Uncertain significance. Review status: criteria provided, multiple submitters, no conflicts (2 of 4 stars). 3 submissions from 3 submitters: Uncertain significance (3). Last evaluated 2026-02-24.

Conditions:
Cardiovascular phenotype. Identifiers: MedGen CN230736.
Long QT syndrome (LQTS). Identifiers: MedGen C0023976, MeSH D008133, MONDO:0002442. Disease mechanism: loss of function. Inheritance: Various modes of inheritance.

Allele frequency attached by ClinVar (database versions not stated): gnomAD exomes below 0.00001.
gnomAD v4.1: 16 of 1,614,116 alleles (0.00099%); highest among the groups gnomAD compares: African/African-American, 0.0027%; no homozygotes.

Submissions (3):

Ambry Genetics
Classification: Uncertain significance for Cardiovascular phenotype. Last evaluated: 2026-02-24. Review status: criteria provided, single submitter. Criteria: Ambry Variant Classification Scheme 2023. Collection method: clinical testing. Allele origin: germline.
Comment: The p.M3292T variant (also known as c.9875T>C), located in coding exon 38 of the ANK2 gene, results from a T to C substitution at nucleotide position 9875. The methionine at codon 3292 is replaced by threonine, an amino acid with similar properties. This amino acid position is conserved. In addition, this alteration is predicted to be tolerated by in silico analysis. Based on the available evidence, the clinical significance of this variant remains unclear.

Labcorp Genetics (formerly Invitae), Labcorp
Classification: Uncertain significance for Long QT syndrome. Last evaluated: 2025-11-25. Review status: criteria provided, single submitter. Criteria: Invitae Variant Classification Sherloc (09022015). Collection method: clinical testing. Allele origin: germline.
Comment: This sequence change replaces methionine, which is neutral and non-polar, with threonine, which is neutral and polar, at codon 3292 of the ANK2 protein (p.Met3292Thr). This variant is present in population databases (no rsID available, gnomAD 0.003%). This variant has not been reported in the literature in individuals affected with ANK2-related conditions. ClinVar contains an entry for this variant (Variation ID: 1009386). An algorithm developed to predict the effect of missense changes on protein structure and function outputs the following: PolyPhen-2: "Benign". The threonine amino acid residue is found in multiple mammalian species, which suggests that this missense change does not adversely affect protein function. In summary, the available evidence is currently insufficient to determine the role of this variant in disease. Therefore, it has been classified as a Variant of Uncertain Significance.

GeneDx
Classification: Uncertain significance. Last evaluated: 2025-07-03. Review status: criteria provided, single submitter. Criteria: GeneDx Variant Classification Process June 2021. Collection method: clinical testing. Allele origin: germline. Affected: yes.
Comment: Not observed at significant frequency in large population cohorts (gnomAD); In silico analysis suggests that this missense variant does not alter protein structure/function; Located in exon 38, which is reported as being expressed in a brain-specific transcript (PMID: 1830053, 18790697, 26109584); Has not been previously published as pathogenic or benign to our knowledge; This variant is associated with the following publications: (PMID: 1830053, 18790697, 26109584)

NM_001148.6(ANK2):c.9875T>C (p.Met3292Thr)

Gene: ANK2 (ankyrin 2; plus strand). Cytogenetic location: 4q26.
Variant type: single nucleotide variant.
Coding change: c.9875T>C on transcript NM_001148.6 (MANE Select); coding-DNA position 9875, T replaced by C.
Protein change: p.Met3292Thr; replaces methionine 3292 with threonine.
Molecular consequence: missense variant. On other transcripts: intron variant (68).
Genome position (GRCh38, 1-based): chr4:113,358,493, T>C. VCF-style: chr4-113358493-T-C. GRCh37 (hg19) VCF-style: chr4-114279649-T-C.
Other names: c.9641T>C, p.Met3214Thr (NM_001386142.1); c.6275T>C, p.Met2092Thr (NM_001386166.1); c.10016T>C, p.Met3339Thr (NM_001386174.1); c.9992T>C, p.Met3331Thr (NM_001386175.1); c.4412-2330T>C (NM_001386186.2, NM_001386148.2); c.4214-2330T>C (NM_001354269.3); c.4292-2330T>C (NM_001386187.2); c.4253-2330T>C (NM_001386147.1); and 36 more; short protein forms M2092T, M3214T, M3292T, M3331T, M3339T.
Identifiers: ClinVar variation 1009386 (VCV001009386.7), dbSNP rs1439525696, ClinGen allele CA357939188.